The following is an entry in ClinVar:

ClinVar aggregate classification (germline): Uncertain significance. Review status: criteria provided, multiple submitters, no conflicts (2 of 4 stars). 2 submissions from 2 submitters: Uncertain significance (2). Last evaluated 2025-11-02.

Conditions:
Cardiovascular phenotype. Identifiers: MedGen CN230736.
Long QT syndrome (LQTS). Identifiers: MedGen C0023976, MeSH D008133, MONDO:0002442. Disease mechanism: loss of function. Inheritance: Various modes of inheritance.

Allele frequency attached by ClinVar (database versions not stated): gnomAD 0.00001; gnomAD exomes 0.00001; TOPMed below 0.00001.
gnomAD v4.1: 9 of 1,609,150 alleles (0.00056%); highest among the groups gnomAD compares: South Asian, 0.0044%; no homozygotes.

Submissions (2):

Ambry Genetics
Classification: Uncertain significance for Cardiovascular phenotype. Last evaluated: 2025-11-02. Review status: criteria provided, single submitter. Criteria: Ambry Variant Classification Scheme 2023. Collection method: clinical testing. Allele origin: germline.
Comment: The p.A789T variant (also known as c.2365G>A), located in coding exon 21 of the ANK2 gene, results from a G to A substitution at nucleotide position 2365. The alanine at codon 789 is replaced by threonine, an amino acid with similar properties. This amino acid position is conserved. In addition, this alteration is predicted to be tolerated by in silico analysis. Since supporting evidence is limited at this time, the clinical significance of this alteration remains unclear.

Labcorp Genetics (formerly Invitae), Labcorp
Classification: Uncertain significance for Long QT syndrome. Last evaluated: 2025-08-13. Review status: criteria provided, single submitter. Criteria: Invitae Variant Classification Sherloc (09022015). Collection method: clinical testing. Allele origin: germline.
Comment: This sequence change replaces alanine, which is neutral and non-polar, with threonine, which is neutral and polar, at codon 789 of the ANK2 protein (p.Ala789Thr). The frequency data for this variant in the population databases is considered unreliable, as metrics indicate poor data quality at this position in the gnomAD database. This variant has not been reported in the literature in individuals affected with ANK2-related conditions. ClinVar contains an entry for this variant (Variation ID: 2450658). Invitae Evidence Modeling of protein sequence and biophysical properties (such as structural, functional, and spatial information, amino acid conservation, physicochemical variation, residue mobility, and thermodynamic stability) indicates that this missense variant is not expected to disrupt ANK2 protein function with a negative predictive value of 80%. In summary, the available evidence is currently insufficient to determine the role of this variant in disease. Therefore, it has been classified as a Variant of Uncertain Significance.

NM_001148.6(ANK2):c.2365G>A (p.Ala789Thr)

Gene: ANK2 (ankyrin 2; plus strand). Cytogenetic location: 4q26.
Variant type: single nucleotide variant.
Coding change: c.2365G>A on transcript NM_001148.6 (MANE Select); coding-DNA position 2365, G replaced by A.
Protein change: p.Ala789Thr; replaces alanine 789 with threonine.
Molecular consequence: missense variant.
Genome position (GRCh38, 1-based): chr4:113,292,503, G>A. VCF-style: chr4-113292503-G-A. GRCh37 (hg19) VCF-style: chr4-114213659-G-A.
Other names: c.2302G>A, p.Ala768Thr (NM_001127493.3, NM_001354239.2, NM_001354243.2 and 10 more transcripts); c.2365G>A, p.Ala789Thr (NM_001354225.2, NM_001354228.2, NM_001354232.2 and 6 more transcripts); c.2410G>A, p.Ala804Thr (NM_001354230.2, NM_001354231.2, NM_001354237.2 and 5 more transcripts); c.2266G>A, p.Ala756Thr (NM_001354245.2, NM_001354268.2); c.2278G>A, p.Ala760Thr (NM_001354249.2, NM_001354274.2, NM_001354276.2 and 10 more transcripts); c.2203G>A, p.Ala735Thr (NM_001354253.2, NM_001354270.2, NM_001386156.1 and 1 more transcripts); c.2155G>A, p.Ala719Thr (NM_001354269.3); c.2179G>A, p.Ala727Thr (NM_001354271.2, NM_001354260.2, NM_001386151.1); and 8 more; short protein forms A694T, A760T, A806T, A727T, A756T, A775T, A789T, A798T.
Identifiers: ClinVar variation 2450658 (VCV002450658.4), dbSNP rs1238418730, ClinGen allele CA357919704.